The following is an entry in ClinVar:

ClinVar aggregate classification (germline): Benign/Likely benign. Review status: criteria provided, multiple submitters, no conflicts (2 of 4 stars). 11 submissions from 11 submitters: Benign (8); Likely benign (1). 2 of the submissions do not count toward it. Last evaluated 2026-02-03.

Conditions:
Hypertrophic cardiomyopathy 1 (CMH1). Also called: Familial hypertrophic cardiomyopathy 1; MYH7-Related Familial Hypertrophic Cardiomyopathy. Identifiers: MedGen C3495498, MONDO:0008647, OMIM 192600.
Hypertrophic cardiomyopathy 14. Identifiers: MedGen C2750467, MONDO:0013197, OMIM 613251.
Dilated cardiomyopathy 1EE (CMD1EE). Identifiers: Orphanet 154, MedGen C2750466, MONDO:0013198, OMIM 613252.
Sick sinus syndrome 3, susceptibility to (SSS3). Identifiers: Orphanet 166282, MedGen C3279791, MONDO:0013568, OMIM 614090.
Atrial septal defect 3 (ASD3). Identifiers: Orphanet 1478, MedGen C3279790, MONDO:0013567, OMIM 614089.
Cardiomyopathy (CMYO). Also called: Cardiomyopathies. Identifiers: Orphanet 167848, MedGen C0878544, MONDO:0004994, HP:0001638. Inheritance: Various modes of inheritance.

Allele frequency attached by ClinVar (database versions not stated): gnomAD exomes 0.00069; ExAC 0.00091; gnomAD 0.00293 and 0.00309; TOPMed 0.00323; ESP Exome Variant Server 0.00338; 1000 Genomes Project 0.00459; 1000 Genomes Project 30x 0.00500.
gnomAD v4.1: 791 of 1,613,782 alleles (0.049%); highest among the groups gnomAD compares: African/African-American, 0.99%; 8 homozygotes.

Submissions (11):

Labcorp Genetics (formerly Invitae), Labcorp
Classification: Benign for Hypertrophic cardiomyopathy 14. Last evaluated: 2026-02-03. Review status: criteria provided, single submitter. Criteria: Invitae Variant Classification Sherloc (09022015). Collection method: clinical testing. Allele origin: germline.

Fulgent Genetics
Classification: Likely benign for Hypertrophic cardiomyopathy 1; Hypertrophic cardiomyopathy 14; Dilated cardiomyopathy 1EE; Atrial septal defect 3; Sick sinus syndrome 3, susceptibility to. Last evaluated: 2022-02-14. Review status: criteria provided, single submitter. Criteria: ACMG Guidelines, 2015. Collection method: clinical testing. Allele origin: unknown.

ARUP Laboratories, Molecular Genetics and Genomics, ARUP Laboratories
Classification: Benign. Last evaluated: 2020-10-20. Review status: criteria provided, single submitter. Criteria: ARUP Molecular Germline Variant Investigation Process 2021. Collection method: clinical testing. Allele origin: germline.

Women's Health and Genetics/Laboratory Corporation of America, LabCorp
Classification: Benign. Last evaluated: 2018-05-08. Review status: criteria provided, single submitter. Criteria: LabCorp Variant Classification Summary - May 2015. Collection method: clinical testing. Allele origin: germline.
Comment: Variant summary: MYH6 c.1071C>T alters a conserved nucleotide resulting in a synonymous change. 5/5 computational tools predict no significant impact on normal splicing. However, these predictions have yet to be confirmed by functional studies. The variant allele was found at a frequency of 0.00086 in 277076 control chromosomes, predominantly at a frequency of 0.0096 within the African subpopulation in the gnomAD database, including 4 homozygotes. The observed variant frequency within African control individuals in the gnomAD database is approximately 384 fold of the estimated maximal expected allele frequency for a pathogenic variant in MYH6 causing Cardiomyopathy phenotype (2.5e-05), strongly suggesting that the variant is a benign polymorphism found primarily in populations of African origin. To our knowledge, no occurrence of c.1071C>T in individuals affected with Cardiomyopathy and no experimental evidence demonstrating its impact on protein function have been reported. Four clinical diagnostic laboratories have submitted clinical-significance assessments for this variant to ClinVar after 2014 without evidence for independent evaluation (3 benign, 1 VUS). Based on the evidence outlined above, the variant was classified as benign.

GeneDx
Classification: Benign. Last evaluated: 2016-12-05. Review status: criteria provided, single submitter. Criteria: GeneDx Variant Classification (06012015). Collection method: clinical testing. Allele origin: germline. Affected: yes.
Comment: This variant is considered likely benign or benign based on one or more of the following criteria: it is a conservative change, it occurs at a poorly conserved position in the protein, it is predicted to be benign by multiple in silico algorithms, and/or has population frequency not consistent with disease.

Eurofins Ntd Llc (ga)
Classification: Benign. Last evaluated: 2016-01-05. Review status: criteria provided, single submitter. Criteria: EGL Classification Definitions 2015. Collection method: clinical testing. Allele origin: germline. Observed: 1 variant allele, 1 heterozygote.

CHEO Genetics Diagnostic Laboratory, Children's Hospital of Eastern Ontario
Classification: Benign for Cardiomyopathy. Last evaluated: 2015-12-31. Review status: criteria provided, single submitter. Criteria: ACMG Guidelines, 2015. Collection method: clinical testing. Allele origin: germline. Study: Canadian Open Genetics Repository.

Laboratory for Molecular Medicine, Mass General Brigham Personalized Medicine
Classification: Benign. Last evaluated: 2012-01-09. Review status: criteria provided, single submitter. Criteria: LMM Criteria. Collection method: clinical testing. Allele origin: germline. Observed: 8 variant alleles.

Breakthrough Genomics
Classification: Benign. Review status: criteria provided, single submitter. Criteria: ACMG Guidelines, 2015. Collection method: not provided. Allele origin: germline. Inheritance: Autosomal dominant inheritance. Affected: yes.

Clinical Genetics DNA and cytogenetics Diagnostics Lab, Erasmus MC, Erasmus Medical Center
Classification: Benign. Review status: no assertion criteria provided. Collection method: clinical testing. Allele origin: germline. Affected: yes. Study: VKGL Data-share Consensus. Not counted in ClinVar's aggregate classification.

Clinical Genetics, Academic Medical Center
Classification: Benign. Review status: no assertion criteria provided. Collection method: clinical testing. Allele origin: germline. Affected: yes. Study: VKGL Data-share Consensus. Not counted in ClinVar's aggregate classification.

NM_002471.4(MYH6):c.1071C>T (p.Ile357=)

Gene: MYH6 (myosin heavy chain 6; minus strand). Cytogenetic location: 14q11.2.
Variant type: single nucleotide variant.
Coding change: c.1071C>T on transcript NM_002471.4 (MANE Select); coding-DNA position 1071, C replaced by T.
Protein change: p.Ile357=; no amino-acid change (isoleucine 357 retained).
Molecular consequence: synonymous variant.
Genome position (GRCh38, 1-based): chr14:23,402,534, G>A on the plus strand (C>T on the coding strand, the complement: MYH6 is on the minus strand). VCF-style: chr14-23402534-G-A. GRCh37 (hg19) VCF-style: chr14-23871743-G-A.
Identifiers: ClinVar variation 44446 (VCV000044446.32), dbSNP rs58131640, ClinGen allele CA134221.